The following is an entry in ClinVar:

ClinVar aggregate classification (germline): Uncertain significance (1 of 4 stars; one submission).

Conditions:
Mitochondrial complex V (ATP synthase) deficiency, nuclear type 2. Also called: Nuclear-Encoded ATPase Deficiency, TMEM70-Related; MITOCHONDRIAL COMPLEX V (ATP SYNTHASE) DEFICIENCY, TMEM70 TYPE; ENCEPHALOCARDIOMYOPATHY, MITOCHONDRIAL, NEONATAL, DUE TO ATP SYNTHASE DEFICIENCY. Identifiers: Orphanet 1194, MedGen C3279699, MONDO:0013546, OMIM 614052.

Submission:

Labcorp Genetics (formerly Invitae), Labcorp
Classification: Uncertain significance for Mitochondrial complex V (ATP synthase) deficiency, nuclear type 2. Last evaluated: 2022-07-30. Review status: criteria provided, single submitter. Criteria: Invitae Variant Classification Sherloc (09022015). Collection method: clinical testing. Allele origin: germline.
Comment: This sequence change replaces threonine, which is neutral and polar, with alanine, which is neutral and non-polar, at codon 178 of the TMEM70 protein (p.Thr178Ala). In summary, the available evidence is currently insufficient to determine the role of this variant in disease. Therefore, it has been classified as a Variant of Uncertain Significance. Algorithms developed to predict the effect of missense changes on protein structure and function are either unavailable or do not agree on the potential impact of this missense change (SIFT: "Tolerated"; PolyPhen-2: "Probably Damaging"; Align-GVGD: "Class C0"). This variant has not been reported in the literature in individuals affected with TMEM70-related conditions. This variant is not present in population databases (gnomAD no frequency).

NM_017866.6(TMEM70):c.532A>G (p.Thr178Ala)

Gene: TMEM70 (transmembrane protein 70; plus strand). Cytogenetic location: 8q21.11.
Variant type: single nucleotide variant.
Coding change: c.532A>G on transcript NM_017866.6 (MANE Select); coding-DNA position 532, A replaced by G.
Protein change: p.Thr178Ala; replaces threonine 178 with alanine.
Molecular consequence: missense variant. On other transcripts: 3 prime UTR variant (1), non-coding transcript variant (1).
Genome position (GRCh38, 1-based): chr8:73,981,370, A>G. VCF-style: chr8-73981370-A-G. GRCh37 (hg19) VCF-style: chr8-74893605-A-G.
Other names: c.*222A>G (NM_001040613.3); short protein forms T178A.
Identifiers: ClinVar variation 1714594 (VCV001714594.5), dbSNP rs1815793638, ClinGen allele CA371490189.